The following is an entry in ClinVar:

NM_030665.4(RAI1):c.199T>C (p.Ser67Pro)

Gene: RAI1 (retinoic acid induced 1; plus strand). Cytogenetic location: 17p11.2.
Variant type: single nucleotide variant.
Coding change: c.199T>C on transcript NM_030665.4 (MANE Select); coding-DNA position 199, T replaced by C.
Protein change: p.Ser67Pro; replaces serine 67 with proline.
Molecular consequence: missense variant.
Genome position (GRCh38, 1-based): chr17:17,793,147, T>C. VCF-style: chr17-17793147-T-C. GRCh37 (hg19) VCF-style: chr17-17696461-T-C.
Other names: c.199T>C (NM_030665.3); short protein forms S67P.
Identifiers: ClinVar variation 1471070 (VCV001471070.7), dbSNP rs2143001498, ClinGen allele CA398544960.

ClinVar aggregate classification (germline): Conflicting classifications of pathogenicity. Review status: criteria provided, conflicting classifications (1 of 4 stars). 2 submissions from 2 submitters: Uncertain significance (1); Benign (1). Last evaluated 2026-02-02.

Conditions:
RAI1-related disorder. Also called: RAI1-related condition.

Allele frequency attached by ClinVar (database versions not stated): gnomAD exomes 0.00001.
gnomAD v4.1: 3 of 1,613,608 alleles (0.00019%); highest among the groups gnomAD compares: Middle Eastern, 0.049%; 1 homozygote.

Submissions (2):

Labcorp Genetics (formerly Invitae), Labcorp
Classification: Benign. Last evaluated: 2026-02-02. Review status: criteria provided, single submitter. Criteria: Invitae Variant Classification Sherloc (09022015). Collection method: clinical testing. Allele origin: germline.

PreventionGenetics, part of Exact Sciences
Classification: Uncertain significance for RAI1-related condition. Last evaluated: 2022-09-28. Review status: criteria provided, single submitter. Criteria: ACMG Guidelines, 2015. Collection method: clinical testing. Allele origin: germline.
Comment: The RAI1 c.199T>C variant is predicted to result in the amino acid substitution p.Ser67Pro. To our knowledge, this variant has not been reported in the literature or in a large population database, indicating this variant is rare. At this time, the clinical significance of this variant is uncertain due to the absence of conclusive functional and genetic evidence.